The following is an entry in ClinVar:

ClinVar aggregate classification (germline): Pathogenic (1 of 4 stars; one submission).

Conditions:
Marfan syndrome (MFS). Also called: MARFAN SYNDROME, TYPE I; Marfan syndrome type 1; Marfan's syndrome; Marfan syndrome, classic; FBN1-Related Marfan Syndrome. Identifiers: Orphanet 284963, Orphanet 558, MedGen C0024796, MONDO:0007947, OMIM 154700.
Familial thoracic aortic aneurysm and aortic dissection (TAAD). Also called: Thoracic aortic aneurysms and dissections. Identifiers: Orphanet 91387, MedGen C4707243, MONDO:0019625.

Submission:

Labcorp Genetics (formerly Invitae), Labcorp
Classification: Pathogenic for Marfan syndrome; Familial thoracic aortic aneurysm and aortic dissection. Last evaluated: 2023-12-03. Review status: criteria provided, single submitter. Criteria: Invitae Variant Classification Sherloc (09022015). Collection method: clinical testing. Allele origin: germline.
Comment: This sequence change creates a premature translational stop signal (p.Cys896Metfs*3) in the FBN1 gene. It is expected to result in an absent or disrupted protein product. Loss-of-function variants in FBN1 are known to be pathogenic (PMID: 17657824, 19293843). This variant is not present in population databases (gnomAD no frequency). This variant has not been reported in the literature in individuals affected with FBN1-related conditions. For these reasons, this variant has been classified as Pathogenic.

Literature cited by the submitters: PubMed 17657824; PubMed 19293843.

NM_000138.5(FBN1):c.2685dup (p.Cys896fs)

Gene: FBN1 (fibrillin 1; minus strand). Cytogenetic location: 15q21.1.
Variant type: Duplication.
Coding change: c.2685dup on transcript NM_000138.5 (MANE Select); coding-DNA position 2685, one base duplicated (A; older notation c.2685dupA).
Protein change: p.Cys896fs; shifts the reading frame from cysteine 896.
Molecular consequence: frameshift variant.
Genome position (GRCh38, 1-based): chr15:48,494,247, T duplicated on the plus strand (A on the coding strand, the reverse complement: FBN1 is on the minus strand). VCF-style (leftmost placement, unchanged base first): chr15-48494246-A-AT. GRCh37 (hg19) VCF-style: chr15-48786443-A-AT.
Other names: c.2685dup, p.Cys896fs (NM_001406716.1); short protein forms C896fs.
Identifiers: ClinVar variation 2954397 (VCV002954397.3), dbSNP rs2505568752, ClinGen allele CA2740096656.
Genomic context (GRCh38, chr15:48,494,246, plus strand): 5'-ATAAGTAATCAGAAATACCTTCACATTGTGTTCCTTTAATTCTTGAGTACCCTTTACCAC[A>AT]TATGGGATCTGTAATAAAAAGCGAAAAACAAAACAGAAAACAAATTTGAGATAACAATAT-3'